The following is an entry in ClinVar:

ClinVar aggregate classification (germline): Uncertain significance (1 of 4 stars; one submission).

Allele frequency attached by ClinVar (database versions not stated): gnomAD exomes below 0.00001.
gnomAD v4.1: 1 of 1,612,236 alleles (0.000062%); highest among the groups gnomAD compares: Non-Finnish European, 0.000085%; no homozygotes.

Submission:

Labcorp Genetics (formerly Invitae), Labcorp
Classification: Uncertain significance. Last evaluated: 2024-11-09. Review status: criteria provided, single submitter. Criteria: Invitae Variant Classification Sherloc (09022015). Collection method: clinical testing. Allele origin: germline.
Comment: This sequence change replaces alanine, which is neutral and non-polar, with threonine, which is neutral and polar, at codon 28 of the GNB1 protein (p.Ala28Thr). This variant is not present in population databases (gnomAD no frequency). This variant has not been reported in the literature in individuals affected with GNB1-related conditions. ClinVar contains an entry for this variant (Variation ID: 1437355). Invitae Evidence Modeling of protein sequence and biophysical properties (such as structural, functional, and spatial information, amino acid conservation, physicochemical variation, residue mobility, and thermodynamic stability) indicates that this missense variant is not expected to disrupt GNB1 protein function with a negative predictive value of 80%. In summary, the available evidence is currently insufficient to determine the role of this variant in disease. Therefore, it has been classified as a Variant of Uncertain Significance.

NM_002074.5(GNB1):c.82G>A (p.Ala28Thr)

Gene: GNB1 (G protein subunit beta 1; minus strand). Cytogenetic location: 1p36.33.
Variant type: single nucleotide variant.
Coding change: c.82G>A on transcript NM_002074.5 (MANE Select); coding-DNA position 82, G replaced by A.
Protein change: p.Ala28Thr; replaces alanine 28 with threonine.
Molecular consequence: missense variant. On other transcripts: intron variant (1).
Genome position (GRCh38, 1-based): chr1:1,817,851, C>T on the plus strand (G>A on the coding strand, the complement: GNB1 is on the minus strand). VCF-style: chr1-1817851-C-T. GRCh37 (hg19) VCF-style: chr1-1749290-C-T.
Other names: c.82G>A, p.Ala28Thr (NM_001282539.2); c.-98+7546G>A (NM_001282538.2); short protein forms A28T.
Identifiers: ClinVar variation 1437355 (VCV001437355.6), dbSNP rs2100888232, ClinGen allele CA337920865.